The following is an entry in ClinVar:

ClinVar aggregate classification (germline): Conflicting classifications of pathogenicity. Review status: criteria provided, conflicting classifications (1 of 4 stars). 4 submissions from 4 submitters: Uncertain significance (3); Likely benign (1). Last evaluated 2026-01-25.

Conditions:
Neuropathy, hereditary sensory, type 2C. Also called: Hereditary sensory and autonomic neuropathy type IIC; KIF1A-Related HSAN2 (HSAN2C). Identifiers: Orphanet 970, MedGen C3280168, MONDO:0013634, OMIM 614213.
Intellectual disability, autosomal dominant 9 (NESCAVS). Also called: KIF1A-Related Neurodevelopmental Disorder; NESCAV SYNDROME. Identifiers: Orphanet 662367, MedGen C5393830, MONDO:0013656, OMIM 614255.
Hereditary spastic paraplegia 30. Identifiers: Orphanet 101010, MedGen C5235139, MONDO:0012476.
Neuropathy, hereditary sensory and autonomic, type 2A (HSAN2A). Also called: ACROOSTEOLYSIS, GIACCAI TYPE; ACROOSTEOLYSIS, NEUROGENIC; HSAN IIA; MORVAN DISEASE; NEUROPATHY, CONGENITAL SENSORY; NEUROPATHY, HEREDITARY SENSORY RADICULAR, AUTOSOMAL RECESSIVE. Identifiers: Orphanet 970, MedGen C2752089, MONDO:0024309, OMIM 201300.
Inborn genetic diseases. Identifiers: MedGen C0950123, MeSH D030342.

Allele frequency attached by ClinVar (database versions not stated): gnomAD exomes 0.00004 and 0.00006; gnomAD 0.00006 and 0.00007; ExAC 0.00008; ESP Exome Variant Server 0.00008; TOPMed 0.00012.
gnomAD v4.1: 67 of 1,601,240 alleles (0.0042%); highest among the groups gnomAD compares: Admixed American, 0.016%; no homozygotes.

Submissions (4):

Labcorp Genetics (formerly Invitae), Labcorp
Classification: Likely benign for Hereditary spastic paraplegia 30; Neuropathy, hereditary sensory, type 2C; Intellectual disability, autosomal dominant 9. Last evaluated: 2026-01-25. Review status: criteria provided, single submitter. Criteria: Invitae Variant Classification Sherloc (09022015). Collection method: clinical testing. Allele origin: germline.

Ambry Genetics
Classification: Uncertain significance for Inborn genetic diseases. Last evaluated: 2022-11-05. Review status: criteria provided, single submitter. Criteria: Ambry Variant Classification Scheme 2023. Collection method: clinical testing. Allele origin: germline.
Comment: Unlikely to be causative of KIF1A-related neurodevelopmental disorder (AD)_x000D_ _x000D_ Hereditary sensory neuropathy type IIC (AR) does not currently meet published gene-disease clinical validity criteria for this gene (Smith, 2017) Based on insufficient or conflicting evidence, the clinical significance of this alteration remains unclear.

Fulgent Genetics
Classification: Uncertain significance for Neuropathy, hereditary sensory and autonomic, type 2A; Spastic paraplegia 30A, autosomal dominant; Neuropathy, hereditary sensory, type 2C; Intellectual disability, autosomal dominant 9. Last evaluated: 2021-07-30. Review status: criteria provided, single submitter. Criteria: ACMG Guidelines, 2015. Collection method: clinical testing. Allele origin: unknown.

Genetic Services Laboratory, University of Chicago
Classification: Uncertain significance. Last evaluated: 2018-02-09. Review status: criteria provided, single submitter. Criteria: ACMG Guidelines, 2015. Collection method: clinical testing. Allele origin: germline. Affected: no.

Literature cited by the submitters: PubMed 28106320 (cited by Ambry Genetics).

NM_001244008.2(KIF1A):c.2341G>A (p.Ala781Thr)

Gene: KIF1A (kinesin family member 1A; minus strand). Cytogenetic location: 2q37.3.
Variant type: single nucleotide variant.
Coding change: c.2341G>A on transcript NM_001244008.2 (MANE Select); coding-DNA position 2341, G replaced by A.
Protein change: p.Ala781Thr; replaces alanine 781 with threonine.
Molecular consequence: missense variant.
Genome position (GRCh38, 1-based): chr2:240,760,768, C>T on the plus strand (G>A on the coding strand, the complement: KIF1A is on the minus strand). VCF-style: chr2-240760768-C-T. GRCh37 (hg19) VCF-style: chr2-241700185-C-T.
Other names: c.2341G>A, p.Ala781Thr (NM_001320705.2, NM_001330289.2, NM_001379638.1); c.2416G>A, p.Ala806Thr (NM_001330290.2, NM_001379631.1, NM_001379634.1 and 2 more transcripts); c.2314G>A, p.Ala772Thr (NM_001379632.1, NM_001379633.1, NM_001379636.1 and 10 more transcripts); c.2389G>A, p.Ala797Thr (NM_001379637.1, NM_001379648.1); short protein forms A772T, A781T, A797T, A806T.
Identifiers: ClinVar variation 1009584 (VCV001009584.13), dbSNP rs369842871, ClinGen allele CA2208124.